The following is an entry in ClinVar:

NM_015662.3(IFT172):c.1561A>G (p.Met521Val)

Gene: IFT172 (intraflagellar transport 172; minus strand). Cytogenetic location: 2p23.3.
Variant type: single nucleotide variant.
Coding change: c.1561A>G on transcript NM_015662.3 (MANE Select); coding-DNA position 1561, A replaced by G.
Protein change: p.Met521Val; replaces methionine 521 with valine.
Molecular consequence: missense variant.
Genome position (GRCh38, 1-based): chr2:27,471,059, T>C on the plus strand (A>G on the coding strand, the complement: IFT172 is on the minus strand). VCF-style: chr2-27471059-T-C. GRCh37 (hg19) VCF-style: chr2-27693926-T-C.
Other names: short protein forms M521V.
Identifiers: ClinVar variation 1969735 (VCV001969735.5), dbSNP rs775072437, ClinGen allele CA1580587.

ClinVar aggregate classification (germline): Uncertain significance (1 of 4 stars; one submission).

Conditions:
Retinitis pigmentosa 71 (RP71). Identifiers: Orphanet 791, MedGen C4225342, MONDO:0014618, OMIM 616394.
Short-rib thoracic dysplasia 10 with or without polydactyly (SRTD10). Identifiers: Orphanet 474, MedGen C3810175, MONDO:0014284, OMIM 615630.

Allele frequency attached by ClinVar (database versions not stated): ExAC 0.00001.

Submission:

Labcorp Genetics (formerly Invitae), Labcorp
Classification: Uncertain significance for Retinitis pigmentosa 71; Short-rib thoracic dysplasia 10 with or without polydactyly. Last evaluated: 2025-10-13. Review status: criteria provided, single submitter. Criteria: Invitae Variant Classification Sherloc (09022015). Collection method: clinical testing. Allele origin: germline.
Comment: This sequence change replaces methionine, which is neutral and non-polar, with valine, which is neutral and non-polar, at codon 521 of the IFT172 protein (p.Met521Val). This variant is present in population databases (rs775072437, gnomAD 0.0009%). This variant has not been reported in the literature in individuals affected with IFT172-related conditions. ClinVar contains an entry for this variant (Variation ID: 1969735). Invitae Evidence Modeling of protein sequence and biophysical properties (such as structural, functional, and spatial information, amino acid conservation, physicochemical variation, residue mobility, and thermodynamic stability) indicates that this missense variant is not expected to disrupt IFT172 protein function with a negative predictive value of 95%. In summary, the available evidence is currently insufficient to determine the role of this variant in disease. Therefore, it has been classified as a Variant of Uncertain Significance.